The following is an entry in ClinVar:

ClinVar aggregate classification (germline): Uncertain significance (1 of 4 stars; one submission).

gnomAD v4.1: 12 of 1,611,962 alleles (0.00074%); highest among the groups gnomAD compares: African/African-American, 0.0013%; 1 homozygote.

Submission:

Labcorp Genetics (formerly Invitae), Labcorp
Classification: Uncertain significance. Last evaluated: 2025-06-10. Review status: criteria provided, single submitter. Criteria: Invitae Variant Classification Sherloc (09022015). Collection method: clinical testing. Allele origin: germline.
Comment: This sequence change replaces alanine, which is neutral and non-polar, with valine, which is neutral and non-polar, at codon 1067 of the C3 protein (p.Ala1067Val). The frequency data for this variant in the population databases is considered unreliable, as metrics indicate poor data quality at this position in the gnomAD database. This variant has not been reported in the literature in individuals affected with C3-related conditions. Invitae Evidence Modeling of protein sequence and biophysical properties (such as structural, functional, and spatial information, amino acid conservation, physicochemical variation, residue mobility, and thermodynamic stability) indicates that this missense variant is expected to disrupt C3 protein function with a positive predictive value of 80%. In summary, the available evidence is currently insufficient to determine the role of this variant in disease. Therefore, it has been classified as a Variant of Uncertain Significance.

NM_000064.4(C3):c.3200C>T (p.Ala1067Val)

Gene: C3 (complement C3; minus strand). Cytogenetic location: 19p13.3.
Variant type: single nucleotide variant.
Coding change: c.3200C>T on transcript NM_000064.4 (MANE Select); coding-DNA position 3200, C replaced by T.
Protein change: p.Ala1067Val; replaces alanine 1067 with valine.
Molecular consequence: missense variant.
Genome position (GRCh38, 1-based): chr19:6,693,442, G>A on the plus strand (C>T on the coding strand, the complement: C3 is on the minus strand). VCF-style: chr19-6693442-G-A. GRCh37 (hg19) VCF-style: chr19-6693453-G-A.
Other names: short protein forms A1067V.
Identifiers: ClinVar variation 4750899 (VCV004750899.1).